The following is an entry in ClinVar:

NM_005984.5(SLC25A1):c.601G>A (p.Val201Ile)

Gene: SLC25A1 (solute carrier family 25 member 1; minus strand). Cytogenetic location: 22q11.21.
Variant type: single nucleotide variant.
Coding change: c.601G>A on transcript NM_005984.5 (MANE Select); coding-DNA position 601, G replaced by A.
Protein change: p.Val201Ile; replaces valine 201 with isoleucine.
Molecular consequence: missense variant. On other transcripts: non-coding transcript variant (1).
Genome position (GRCh38, 1-based): chr22:19,176,876, C>T on the plus strand (G>A on the coding strand, the complement: SLC25A1 is on the minus strand). VCF-style: chr22-19176876-C-T. GRCh37 (hg19) VCF-style: chr22-19164389-C-T.
Other names: c.622G>A, p.Val208Ile (NM_001256534.2); c.292G>A, p.Val98Ile (NM_001287387.2); short protein forms V98I, V201I, V208I.
Identifiers: ClinVar variation 4693490 (VCV004693490.2).

ClinVar aggregate classification (germline): Uncertain significance. Review status: criteria provided, multiple submitters, no conflicts (2 of 4 stars). 2 submissions from 2 submitters: Uncertain significance (2). Last evaluated 2025-10-08.

gnomAD v4.1: 20 of 1,613,738 alleles (0.0012%); highest among the groups gnomAD compares: South Asian, 0.0077%; no homozygotes.

Submissions (2):

Labcorp Genetics (formerly Invitae), Labcorp
Classification: Uncertain significance. Last evaluated: 2025-10-08. Review status: criteria provided, single submitter. Criteria: Invitae Variant Classification Sherloc (09022015). Collection method: clinical testing. Allele origin: germline.
Comment: This sequence change replaces valine, which is neutral and non-polar, with isoleucine, which is neutral and non-polar, at codon 201 of the SLC25A1 protein (p.Val201Ile). This variant is present in population databases (rs781963874, gnomAD 0.0009%). This variant has not been reported in the literature in individuals affected with SLC25A1-related conditions. Invitae Evidence Modeling of protein sequence and biophysical properties (such as structural, functional, and spatial information, amino acid conservation, physicochemical variation, residue mobility, and thermodynamic stability) indicates that this missense variant is not expected to disrupt SLC25A1 protein function with a negative predictive value of 80%. In summary, the available evidence is currently insufficient to determine the role of this variant in disease. Therefore, it has been classified as a Variant of Uncertain Significance.

Blueprint Genetics
Classification: Uncertain significance. Last evaluated: 2022-09-09. Review status: criteria provided, single submitter. Criteria: ACMG Guidelines, 2015. Collection method: clinical testing. Allele origin: germline.